The following is an entry in ClinVar:

ClinVar aggregate classification (germline): Likely pathogenic (1 of 4 stars; one submission).

Conditions:
Agenesis of the corpus callosum with peripheral neuropathy (ACCPN). Also called: CHARLEVOIX DISEASE; POLYNEUROPATHY, SENSORIMOTOR, WITH OR WITHOUT AGENESIS OF THE CORPUS CALLOSUM; HMSN/ACC; Hereditary Motor and Sensory Neuropathy with Agenesis of the Corpus Callosum. Identifiers: Orphanet 1496, MedGen C0795950, MONDO:0000902, OMIM 218000. Disease mechanism: loss of function.

Submission:

Myriad Genetics, Inc.
Classification: Likely pathogenic for Agenesis of the corpus callosum with peripheral neuropathy. Last evaluated: 2022-05-18. Review status: criteria provided, single submitter. Criteria: Myriad Women's Health Autosomal Recessive and X-Linked Classification Criteria (2021). Collection method: clinical testing. Allele origin: unknown.
Comment: NM_133647.1(SLC12A6):c.1711dupG(V571Gfs*32) is expected to be pathogenic in the context of Andermann syndrome. This variant is predicted to lead to an abnormal or absent protein product due to the creation of a premature termination codon in SLC12A6, a gene where loss-of-function variants are known to be pathogenic. Please note: this variant was assessed in the context of healthy population screening.

NM_001365088.1(SLC12A6):c.1711dup (p.Val571fs)

Gene: SLC12A6 (solute carrier family 12 member 6; minus strand). Cytogenetic location: 15q14.
Variant type: Duplication.
Coding change: c.1711dup on transcript NM_001365088.1 (MANE Select); coding-DNA position 1711, one base duplicated (G; older notation c.1711dupG).
Protein change: p.Val571fs; shifts the reading frame from valine 571.
Molecular consequence: frameshift variant.
Genome position (GRCh38, 1-based): chr15:34,245,806, C duplicated on the plus strand (G on the coding strand, the reverse complement: SLC12A6 is on the minus strand); the first of 3 consecutive C bases (chr15:34,245,806-34,245,808); duplicating any one gives the same sequence. VCF-style (leftmost placement, unchanged base first): chr15-34245805-A-AC. GRCh37 (hg19) VCF-style: chr15-34538006-A-AC.
Other names: c.1534dup, p.Val512fs (NM_001042494.2, NM_001042495.2); c.1558dup, p.Val520fs (NM_005135.2); c.1711dup, p.Val571fs (NM_133647.2); c.1684dup, p.Val562fs (NM_001042496.2); c.1666dup, p.Val556fs (NM_001042497.2); short protein forms V512fs, V520fs, V556fs, V562fs, V571fs.
Identifiers: ClinVar variation 1726162 (VCV001726162.2), dbSNP rs2509783000, ClinGen allele CA2580089270.